The following is an entry in ClinVar:

NC_000007.14:g.21894887dup

Gene: DNAH11 (dynein axonemal heavy chain 11; plus strand). Cytogenetic location: 7p15.3.
Variant type: Duplication.
Genome position: GRCh38 VCF-style: chr7-21894882-A-AG. GRCh37 (hg19) VCF-style: chr7-21934500-A-AG.
Other names: NM_001277115.2:c.12937dup.
Identifiers: ClinVar variation 3776948 (VCV003776948.1).
Genomic context (GRCh38, chr7:21,894,882, plus strand): 5'-GCTATAGTAGACTTCAGCACATTGGAAGATATTCACTGTGTGGCTTTTTTTCTCCATGCA[A>AG]GGGGGAATTGGCATTATCTCCTGCTGTGGAAGCCCAGCAGTTTGCATTGAGTTATGACAC-3'

ClinVar aggregate classification (germline): Uncertain significance (1 of 4 stars; one submission).

Conditions:
Primary ciliary dyskinesia 7. Also called: CILIARY DYSKINESIA, PRIMARY, 7, WITH OR WITHOUT SITUS INVERSUS. Identifiers: Orphanet 244, MedGen C2678473, MONDO:0012748, OMIM 611884.

Submission:

Broad Center for Mendelian Genomics, Broad Institute of MIT and Harvard
Classification: Uncertain significance for Primary ciliary dyskinesia 7. Last evaluated: 2025-02-20. Review status: criteria provided, single submitter. Criteria: ACMG Guidelines, 2015. Collection method: curation. Allele origin: germline. Inheritance: Autosomal recessive inheritance.
Comment: The c.12937dup variant in DNAH11 has been reported in 1 individual with primary ciliary dyskinesia (PMID: 33240318), and has been identified in 0.002% (1/62482) of remaining chromosomes by the Genome Aggregation Database (gnomAD). Although this variant has been seen in the general population in a heterozygous state, its frequency is low enough to be consistent with a recessive carrier frequency. It is of note that this variant occurs in a homopolymer repeat, which could indicate that it exists as an artifact from sequencing. However, disease-causing variants have been reported in homopolymer regions, so this is not enough to rule out a pathogenic role. This variant is located in the 5' splice region. Computational tools predict a splicing impact, though this information is not predictive enough to determine pathogenicity. Loss of function of the DNAH11 gene is an established disease mechanism in autosomal recessive primary ciliary dyskinesia. In summary, while there is some suspicion for a pathogenic role, the clinical significance of this variant is uncertain. ACMG/AMP Criteria applied: PVS1, PM2_supporting (Richards 2015).